The following is an entry in ClinVar:

ClinVar aggregate classification (germline): Pathogenic (1 of 4 stars; one submission).

Conditions:
Mucopolysaccharidosis, MPS-II (MPS2). Also called: Hunter Syndrome; IDURONATE 2-SULFATASE DEFICIENCY; Mucopolysaccharidosis Type II; Mucopolysaccharidosis type 2; Attenuated MPS (subtype; formerly known as mild MPS II); Severe MPS II. Identifiers: Orphanet 580, Orphanet 79388, MedGen C0026705, MONDO:0010674, OMIM 309900.

Submission:

Laboratory of Diagnosis and Therapy of Lysosomal Disorders, University of Padova
Classification: Pathogenic for Mucopolysaccharidosis, MPS-II. Last evaluated: 2024-06-07. Review status: criteria provided, single submitter. Criteria: ACMG Guidelines, 2015. Collection method: literature only. Allele origin: germline. Affected: yes. Observed: 1 variant allele.
Comment: Null variant (PVS1_VeryStrong), Absent from controls (or at low frequency) in gnomAD database (PM2_Moderate), Patient’s phenotype or family history highly specific for the disease (PP4_Strong)

Classification method: ACMG Guidelines [PMID:25741868] with modifications

Literature cited by the submitters: PubMed 9875019.

NM_000202.8(IDS):c.1023del (p.Glu341fs)

Genes: IDS (iduronate 2-sulfatase; minus strand), LOC106050102 (IDS recombination region; plus strand). Cytogenetic location: Xq28.
Variant type: Deletion.
Coding change: c.1023del on transcript NM_000202.8 (MANE Select); coding-DNA position 1023, one base deleted (A; older notation c.1023delA).
Protein change: p.Glu341fs; shifts the reading frame from glutamic acid 341.
Molecular consequence: frameshift variant.
Genome position (GRCh38, 1-based): chrX:149,487,082, T deleted on the plus strand (A on the coding strand, the reverse complement: IDS is on the minus strand); the first of 2 consecutive T bases (chrX:149,487,082-149,487,083); deleting either gives the same sequence. VCF-style (leftmost placement, unchanged base first): chrX-149487081-GT-G. GRCh37 (hg19) VCF-style: chrX-148568612-GT-G.
Other names: c.753del, p.Glu251fs (NM_001166550.4); short protein forms E251fs, E341fs.
Identifiers: ClinVar variation 3255924 (VCV003255924.2).